The following is an entry in ClinVar:

NM_001177693.2(ARHGEF28):c.3741C>T (p.Ser1247=)

Gene: ARHGEF28 (Rho guanine nucleotide exchange factor 28; plus strand). Cytogenetic location: 5q13.2.
Variant type: single nucleotide variant.
Coding change: c.3741C>T on transcript NM_001177693.2 (MANE Select); coding-DNA position 3741, C replaced by T.
Protein change: p.Ser1247=; no amino-acid change (serine 1247 retained).
Molecular consequence: synonymous variant.
Genome position (GRCh38, 1-based): chr5:73,894,475, C>T. VCF-style: chr5-73894475-C-T. GRCh37 (hg19) VCF-style: chr5-73190300-C-T.
Other names: c.3741C>T, p.Ser1247= (NM_001080479.3, NM_001388078.1); c.2802C>T, p.Ser934= (NM_001244364.2); c.3447C>T, p.Ser1149= (NM_001388076.1).
Identifiers: ClinVar variation 3036842 (VCV003036842.2), dbSNP rs549304575, ClinGen allele CA3305159.

ClinVar aggregate classification (germline): Likely benign (0 of 4 stars; one submission).

Conditions:
ARHGEF28-related disorder. Also called: ARHGEF28-related condition.

Allele frequency attached by ClinVar (database versions not stated): ExAC 0.00010; gnomAD 0.00017; TOPMed 0.00018; 1000 Genomes Project 0.00040; 1000 Genomes Project 30x 0.00047.
gnomAD v4.1: 118 of 1,613,810 alleles (0.0073%); highest among the groups gnomAD compares: Admixed American, 0.058%; no homozygotes.

Submission:

PreventionGenetics, part of Exact Sciences
Classification: Likely benign for ARHGEF28-related condition. Last evaluated: 2022-11-21. Review status: no assertion criteria provided. Collection method: clinical testing. Allele origin: germline.
Comment: This variant is classified as likely benign based on ACMG/AMP sequence variant interpretation guidelines (Richards et al. 2015 PMID: 25741868, with internal and published modifications).